The following is an entry in ClinVar:

NM_000051.4(ATM):c.5329G>A (p.Val1777Ile)

Gene: ATM (ATM serine/threonine kinase; plus strand). Cytogenetic location: 11q22.3.
Variant type: single nucleotide variant.
Coding change: c.5329G>A on transcript NM_000051.4 (MANE Select); coding-DNA position 5329, G replaced by A.
Protein change: p.Val1777Ile; replaces valine 1777 with isoleucine.
Molecular consequence: missense variant.
Genome position (GRCh38, 1-based): chr11:108,302,862, G>A. VCF-style: chr11-108302862-G-A. GRCh37 (hg19) VCF-style: chr11-108173589-G-A.
Other names: c.5329G>A, p.Val1777Ile (NM_001351834.2); short protein forms V1777I.
Identifiers: ClinVar variation 419933 (VCV000419933.15), dbSNP rs1064794192, ClinGen allele CA16619197.

ClinVar aggregate classification (germline): Conflicting classifications of pathogenicity. Review status: criteria provided, conflicting classifications (1 of 4 stars). 5 submissions from 5 submitters: Uncertain significance (4); Likely benign (1). Last evaluated 2025-09-22.

Conditions:
Hereditary cancer-predisposing syndrome. Also called: Hereditary neoplastic syndrome; Hereditary Cancer Syndrome; Neoplastic Syndromes, Hereditary; Tumor predisposition. Identifiers: Orphanet 140162, MedGen C0027672, MeSH D009386, MONDO:0015356.
Ataxia-telangiectasia syndrome (AT). Also called: Ataxia-telangiectasia, complementation group D; Cerebello-oculocutaneous telangiectasia; Immunodeficiency with ataxia telangiectasia; ATAXIA-TELANGIECTASIA, COMPLEMENTATION GROUP A; ATAXIA-TELANGIECTASIA, FRESNO VARIANT; LOUIS-BAR SYNDROME. Identifiers: Orphanet 100, MedGen C0004135, MONDO:0008840, OMIM 208900.

Submissions (5):

Ambry Genetics
Classification: Likely benign for Hereditary cancer-predisposing syndrome. Last evaluated: 2025-09-22. Review status: criteria provided, single submitter. Criteria: Ambry Variant Classification Scheme 2023. Collection method: clinical testing. Allele origin: germline.

Labcorp Genetics (formerly Invitae), Labcorp
Classification: Uncertain significance for Ataxia-telangiectasia syndrome. Last evaluated: 2024-08-07. Review status: criteria provided, single submitter. Criteria: Invitae Variant Classification Sherloc (09022015). Collection method: clinical testing. Allele origin: germline.
Comment: This sequence change replaces valine, which is neutral and non-polar, with isoleucine, which is neutral and non-polar, at codon 1777 of the ATM protein (p.Val1777Ile). This variant is not present in population databases (gnomAD no frequency). This missense change has been observed in individual(s) with breast cancer (PMID: 32658311, 35127508). ClinVar contains an entry for this variant (Variation ID: 419933). An algorithm developed to predict the effect of missense changes on protein structure and function (PolyPhen-2) suggests that this variant is likely to be tolerated. In summary, the available evidence is currently insufficient to determine the role of this variant in disease. Therefore, it has been classified as a Variant of Uncertain Significance.

Women's Health and Genetics/Laboratory Corporation of America, LabCorp
Classification: Uncertain significance. Last evaluated: 2023-04-20. Review status: criteria provided, single submitter. Criteria: LabCorp Variant Classification Summary - May 2015. Collection method: clinical testing. Allele origin: germline.
Comment: Variant summary: ATM c.5329G>A (p.Val1777Ile) results in a conservative amino acid change in the encoded protein sequence. Five of five in-silico tools predict a benign effect of the variant on protein function. The variant was absent in 250556 control chromosomes (gnomAD). The available data on variant occurrences in the general population are insufficient to allow any conclusion about variant significance. c.5329G>A has been reported in the literature in individuals affected with breast cancer without strong evidence of causality (Andrikopoulou_2021, Ackay_2021). These reports do not provide unequivocal conclusions about association of the variant with Ataxia-Telangiectasia. To our knowledge, no experimental evidence demonstrating an impact on protein function has been reported. Three submitters have provided clinical-significance assessments for this variant to ClinVar after 2014, and classified the variant as uncertain significance. Based on the evidence outlined above, the variant was classified as uncertain significance.

Color Diagnostics, LLC DBA Color Health
Classification: Uncertain significance for Hereditary cancer-predisposing syndrome. Last evaluated: 2019-06-06. Review status: criteria provided, single submitter. Criteria: ACMG Guidelines, 2015. Collection method: clinical testing. Allele origin: germline.

GeneDx
Classification: Uncertain significance. Last evaluated: 2016-10-04. Review status: criteria provided, single submitter. Criteria: GeneDx Variant Classification (06012015). Collection method: clinical testing. Allele origin: germline. Affected: yes.
Comment: This variant is denoted ATM c.5329G>A at the cDNA level, p.Val1777Ile (V1777I) at the protein level, and results in the change of a Valine to an Isoleucine (GTA>ATA). This variant has not, to our knowledge, been published in the literature as pathogenic or benign. ATM Val1777Ile was not observed in approximately 6,500 individuals of European and African American ancestry in the NHLBI Exome Sequencing Project, suggesting it is not a common benign variant in these populations. Since Valine and Isoleucine share similar properties, this is considered a conservative amino acid substitution. ATM Val1777Ile occurs at a position where amino acids with properties similar to Valine are tolerated across species and is not located in a known functional domain (Uniprot). In silico analyses are inconsistent regarding the effect this variant may have on protein structure or function. Based on currently available evidence, it is unclear whether ATM Val1777Ile is a pathogenic or benign variant. We consider it to be a variant of uncertain significance.

Literature cited by the submitters: PubMed 32658311 (cited by Labcorp Genetics (formerly Invitae), Labcorp and Women's Health and Genetics/Laboratory Corporation of America, LabCorp); PubMed 35127508 (cited by Labcorp Genetics (formerly Invitae), Labcorp and Women's Health and Genetics/Laboratory Corporation of America, LabCorp).